The following is an entry in ClinVar:

NM_014975.3(MAST1):c.1367-3C>T

Gene: MAST1 (microtubule associated serine/threonine kinase 1; plus strand). Cytogenetic location: 19p13.13.
Variant type: single nucleotide variant.
Coding change: c.1367-3C>T on transcript NM_014975.3 (MANE Select); 3 bases into the intron before coding-DNA position 1367, C replaced by T.
Molecular consequence: intron variant.
Genome position (GRCh38, 1-based): chr19:12,864,806, C>T. VCF-style: chr19-12864806-C-T. GRCh37 (hg19) VCF-style: chr19-12975620-C-T.
Identifiers: ClinVar variation 4883597 (VCV004883597.2).
Genomic context (GRCh38, chr19:12,864,806, plus strand): 5'-ATGGTGCATGTCCAGAGAGAGGAATGCCTCCCTTTTTATGCGGGCCCATTTCCTGGCCTG[C>T]AGGCGGCGACTGTGCCACCCTGCTGAAGAATATTGGAGCGCTGCCCGTAGAGATGGCCCG-3'

ClinVar aggregate classification (germline): Uncertain significance (1 of 4 stars; one submission).

gnomAD v4.1: 1 of 1,613,682 alleles (0.000062%); highest among the groups gnomAD compares: Admixed American, 0.0017%; no homozygotes.

Submission:

Dasa
Classification: Uncertain significance. Last evaluated: 2025-08-17. Review status: criteria provided, single submitter. Criteria: DASA Assertion Criteria. Collection method: clinical testing. Allele origin: germline.
Comment: NM_014975.3(MAST1):c.1367-3C>T is a splice-region variant. This variant is rare in population databases. Computational prediction algorithms are consistent with a benign effect. The currently available literature and clinical evidence are not sufficient to establish a definitive association between this variant and the reported condition. Therefore, this variant is classified as a variant of uncertain significance.